The following is an entry in ClinVar:

ClinVar aggregate classification (germline): Uncertain significance. Review status: criteria provided, multiple submitters, no conflicts (2 of 4 stars). 2 submissions from 2 submitters: Uncertain significance (2). Last evaluated 2023-01-18.

Conditions:
Ehlers-Danlos syndrome, spondylodysplastic type, 2 (EDSSPD2). Also called: Ehlers-Danlos syndrome, progeroid type, 2. Identifiers: Orphanet 536467, Orphanet 75496, MedGen C3809210, MONDO:0014139, OMIM 615349.
Spondyloepimetaphyseal dysplasia with joint laxity (SEMDJL). Identifiers: MedGen C0432243, MONDO:0019675.
Inborn genetic diseases. Identifiers: MedGen C0950123, MeSH D030342.

Submissions (2):

Ambry Genetics
Classification: Uncertain significance for Inborn genetic diseases. Last evaluated: 2023-01-18. Review status: criteria provided, single submitter. Criteria: Ambry Variant Classification Scheme 2023. Collection method: clinical testing. Allele origin: germline.

Labcorp Genetics (formerly Invitae), Labcorp
Classification: Uncertain significance for Ehlers-Danlos syndrome, spondylodysplastic type, 2; Spondyloepimetaphyseal dysplasia with joint laxity. Last evaluated: 2022-05-16. Review status: criteria provided, single submitter. Criteria: Invitae Variant Classification Sherloc (09022015). Collection method: clinical testing. Allele origin: germline.
Comment: This sequence change replaces serine, which is neutral and polar, with cysteine, which is neutral and slightly polar, at codon 65 of the B3GALT6 protein (p.Ser65Cys). In summary, the available evidence is currently insufficient to determine the role of this variant in disease. Therefore, it has been classified as a Variant of Uncertain Significance. Algorithms developed to predict the effect of missense changes on protein structure and function are either unavailable or do not agree on the potential impact of this missense change (SIFT: "Deleterious"; PolyPhen-2: "Possibly Damaging"; Align-GVGD: "Class C0"). This variant has not been reported in the literature in individuals affected with B3GALT6-related conditions. The frequency data for this variant in the population databases is considered unreliable, as metrics indicate insufficient coverage at this position in the gnomAD database.

NM_080605.4(B3GALT6):c.193A>T (p.Ser65Cys)

Gene: B3GALT6 (beta-1,3-galactosyltransferase 6; plus strand). Cytogenetic location: 1p36.33.
Variant type: single nucleotide variant.
Coding change: c.193A>T on transcript NM_080605.4 (MANE Select); coding-DNA position 193, A replaced by T.
Protein change: p.Ser65Cys; replaces serine 65 with cysteine.
Molecular consequence: missense variant.
Genome position (GRCh38, 1-based): chr1:1,232,471, A>T. VCF-style: chr1-1232471-A-T. GRCh37 (hg19) VCF-style: chr1-1167851-A-T.
Other names: c.193A>T (NM_080605.3); short protein forms S65C.
Identifiers: ClinVar variation 2163463 (VCV002163463.6), dbSNP rs397514719, ClinGen allele CA337823350.